The following is an entry in ClinVar:

ClinVar aggregate classification (germline): Conflicting classifications of pathogenicity. Review status: criteria provided, conflicting classifications (1 of 4 stars). 9 submissions from 9 submitters: Uncertain significance (4); Likely benign (3). 2 of the submissions do not count toward it. Last evaluated 2025-12-21.

Conditions:
Hereditary cancer-predisposing syndrome. Also called: Neoplastic Syndromes, Hereditary; Tumor predisposition; Hereditary Cancer Syndrome; Hereditary neoplastic syndrome. Identifiers: Orphanet 140162, MedGen C0027672, MeSH D009386, MONDO:0015356.
Hereditary breast ovarian cancer syndrome. Also called: Hereditary breast and ovarian cancer syndrome; Hereditary breast and ovarian cancer; Hereditary breast and ovarian cancer syndrome (HBOC); Breast and ovarian cancer; Hereditary breast and/or ovarian cancer syndrome; BRCA1- and BRCA2-Associated Hereditary Breast and Ovarian Cancer. Identifiers: Orphanet 145, MedGen C0677776, MeSH D061325, MONDO:0003582. Disease mechanism: loss of function.
Breast-ovarian cancer, familial, susceptibility to, 2 (BROVCA2). Also called: BRCA2 Hereditary Breast and Ovarian Cancer. Identifiers: Orphanet 145, MedGen C2675520, MONDO:0012933, OMIM 612555. Disease mechanism: loss of function.

Allele frequency attached by ClinVar (database versions not stated): gnomAD exomes below 0.00001 and 0.00002; ExAC 0.00002; TOPMed 0.00002; gnomAD 0.00003; ESP Exome Variant Server 0.00008.
gnomAD v4.1: 10 of 1,606,662 alleles (0.00062%); highest among the groups gnomAD compares: African/African-American, 0.0094%; no homozygotes.

Submissions (9):

Labcorp Genetics (formerly Invitae), Labcorp
Classification: Uncertain significance for Hereditary breast ovarian cancer syndrome. Last evaluated: 2025-12-21. Review status: criteria provided, single submitter. Criteria: Invitae Variant Classification Sherloc (09022015). Collection method: clinical testing. Allele origin: germline.
Comment: This sequence change replaces asparagine, which is neutral and polar, with serine, which is neutral and polar, at codon 854 of the BRCA2 protein (p.Asn854Ser). This variant is present in population databases (rs80358520, gnomAD 0.02%). This variant has not been reported in the literature in individuals affected with BRCA2-related conditions. ClinVar contains an entry for this variant (Variation ID: 51306). Invitae Evidence Modeling of protein sequence and biophysical properties (such as structural, functional, and spatial information, amino acid conservation, physicochemical variation, residue mobility, and thermodynamic stability) indicates that this missense variant is not expected to disrupt BRCA2 protein function with a negative predictive value of 95%. In summary, the available evidence is currently insufficient to determine the role of this variant in disease. Therefore, it has been classified as a Variant of Uncertain Significance.

GeneDx
Classification: Uncertain significance. Last evaluated: 2025-09-23. Review status: criteria provided, single submitter. Criteria: GeneDx Variant Classification Process June 2021. Collection method: clinical testing. Allele origin: germline. Affected: yes.
Comment: Observed in individuals referred for hereditary cancer multi-gene panel testing (PMID: 31853058); In silico analysis supports that this missense variant has a deleterious effect on protein structure/function; Also known as 2789A>G; This variant is associated with the following publications: (PMID: 32377563, 29884841, 31911673, 30630528, 31853058)

Color Diagnostics, LLC DBA Color Health
Classification: Likely benign for Hereditary cancer-predisposing syndrome. Last evaluated: 2025-09-04. Review status: criteria provided, single submitter. Criteria: ACMG Guidelines, 2015. Collection method: clinical testing. Allele origin: germline.

Quest Diagnostics Nichols Institute San Juan Capistrano
Classification: Uncertain significance. Last evaluated: 2024-06-18. Review status: criteria provided, single submitter. Criteria: Quest Diagnostics criteria. Collection method: clinical testing. Allele origin: unknown.
Comment: The BRCA2 c.2561A>G (p.Asn854Ser) variant has been reported in the published literature in individuals undergoing testing for hereditary cancer (PMID: 31853058 (2020)), and described to be located in a region of the BRCA2 gene that is tolerant to missense sequence changes (PMID: 31911673 (2020)). A published functional study classified this variant as having normal function based on sensitivity to PARP inhibitors (PMID: 32444794 (2020)). The frequency of this variant in the general population, 0.00012 (3/24724 chromosomes (Genome Aggregation Database)), is uninformative in the assessment of its pathogenicity however it has been seen in cancer free women over the age of 50 (FLOSSIES). Analysis of this variant using bioinformatics tools for the prediction of the effect of amino acid changes on protein structure and function yielded predictions that this variant is benign. Based on the available information, we are unable to determine the clinical significance of this variant.

Ambry Genetics
Classification: Uncertain significance for Hereditary cancer-predisposing syndrome. Last evaluated: 2024-06-10. Review status: criteria provided, single submitter. Criteria: Ambry Variant Classification Scheme 2023. Collection method: clinical testing. Allele origin: germline.
Comment: The p.N854S variant (also known as c.2561A>G), located in coding exon 10 of the BRCA2 gene, results from an A to G substitution at nucleotide position 2561. The asparagine at codon 854 is replaced by serine, an amino acid with highly similar properties. This amino acid position is not well conserved in available vertebrate species. In addition, this alteration is predicted to be tolerated by in silico analysis. Since supporting evidence is limited at this time, the clinical significance of this alteration remains unclear.

Myriad Genetics, Inc.
Classification: Likely benign for Breast-ovarian cancer, familial, susceptibility to, 2. Last evaluated: 2023-04-03. Review status: criteria provided, single submitter. Criteria: Myriad Autosomal Dominant, Autosomal Recessive and X-Linked Classification Criteria (2023). Collection method: clinical testing. Allele origin: unknown.
Comment: This variant is considered likely benign. This variant is strongly associated with less severe personal and family histories of cancer, typical for individuals without pathogenic variants in this gene [PMID: 25085752].

University of Washington Department of Laboratory Medicine, University of Washington
Classification: Likely benign for Hereditary cancer-predisposing syndrome. Last evaluated: 2023-03-23. Review status: criteria provided, single submitter. Criteria: Dines et al. (Genet Med. 2020). Collection method: curation. Allele origin: germline.
Comment: Missense variant in a coldspot region where missense variants are very unlikely to be pathogenic (PMID:31911673).

BRCA2 exon 11 coldspot. Reclassification based on statistical prior probability.

Counsyl
Classification: Uncertain significance for Breast-ovarian cancer, familial, susceptibility to, 2. Last evaluated: 2018-01-30. Review status: no assertion criteria provided. Collection method: clinical testing. Allele origin: unknown. Not counted in ClinVar's aggregate classification.

Breast Cancer Information Core (BIC) (BRCA2)
Classification: Uncertain significance for Breast-ovarian cancer, familial 2. Review status: no assertion criteria provided. Collection method: clinical testing. Allele origin: germline. Affected: yes. Observed: 1 variant allele. Not counted in ClinVar's aggregate classification.

Literature cited by the submitters: PubMed 31911673 (cited by Quest Diagnostics Nichols Institute San Juan Capistrano); PubMed 32444794 (cited by Quest Diagnostics Nichols Institute San Juan Capistrano); PubMed 31853058 (cited by Quest Diagnostics Nichols Institute San Juan Capistrano); PubMed 25085752 (cited by Myriad Genetics, Inc.).

NM_000059.4(BRCA2):c.2561A>G (p.Asn854Ser)

Gene: BRCA2 (BRCA2 DNA repair associated; plus strand). Cytogenetic location: 13q13.1.
Variant type: single nucleotide variant.
Coding change: c.2561A>G on transcript NM_000059.4 (MANE Select); coding-DNA position 2561, A replaced by G.
Protein change: p.Asn854Ser; replaces asparagine 854 with serine.
Molecular consequence: missense variant.
Genome position (GRCh38, 1-based): chr13:32,336,916, A>G. VCF-style: chr13-32336916-A-G. GRCh37 (hg19) VCF-style: chr13-32911053-A-G.
Other names: short protein forms N854S.
Identifiers: ClinVar variation 51306 (VCV000051306.30), dbSNP rs80358520, ClinGen allele CA015650.